The following is an entry in ClinVar:

NM_152383.5(DIS3L2):c.2579C>T (p.Pro860Leu)

Gene: DIS3L2 (DIS3 like 3'-5' exoribonuclease 2; plus strand). Cytogenetic location: 2q37.1.
Variant type: single nucleotide variant.
Coding change: c.2579C>T on transcript NM_152383.5 (MANE Select); coding-DNA position 2579, C replaced by T.
Protein change: p.Pro860Leu; replaces proline 860 with leucine.
Molecular consequence: missense variant. On other transcripts: non-coding transcript variant (2), intron variant (1).
Genome position (GRCh38, 1-based): chr2:232,336,551, C>T. VCF-style: chr2-232336551-C-T. GRCh37 (hg19) VCF-style: chr2-233201261-C-T.
Other names: c.1582-6794C>T (NM_001257281.2); short protein forms P860L.
Identifiers: ClinVar variation 3008374 (VCV003008374.3), dbSNP rs2469455599, ClinGen allele CA350979004.
Genomic context (GRCh38, chr2:232,336,551, plus strand): 5'-TGGAGGTGGTCCTGCAGGCAGAGTCCACAGCCCTCAAGTACAGCGCCATCCTGAAGCGGC[C>T]AGGCACCCAGGGCCACCTGGGCCCTGAGAAGGAGGAGGAGGAGTCTGACGGTGAGCCCGA-3'
Protein context (NP_689596.4, residues 850-870): ALKYSAILKR[Pro860Leu]GTQGHLGPEK

ClinVar aggregate classification (germline): Uncertain significance (1 of 4 stars; one submission).

Conditions:
Perlman syndrome (PRLMNS). Identifiers: Orphanet 2849, MedGen C0796113, MONDO:0009965, OMIM 267000.

Allele frequency attached by ClinVar (database versions not stated): gnomAD exomes below 0.00001.
gnomAD v4.1: 2 of 1,609,864 alleles (0.00012%); highest among the groups gnomAD compares: Non-Finnish European, 0.00017%; no homozygotes.

Submission:

Labcorp Genetics (formerly Invitae), Labcorp
Classification: Uncertain significance for Perlman syndrome. Last evaluated: 2023-06-16. Review status: criteria provided, single submitter. Criteria: Invitae Variant Classification Sherloc (09022015). Collection method: clinical testing. Allele origin: germline.
Comment: An algorithm developed to predict the effect of missense changes on protein structure and function (PolyPhen-2) suggests that this variant is likely to be tolerated. This sequence change replaces proline, which is neutral and non-polar, with leucine, which is neutral and non-polar, at codon 860 of the DIS3L2 protein (p.Pro860Leu). This variant is not present in population databases (gnomAD no frequency). This variant has not been reported in the literature in individuals affected with DIS3L2-related conditions. In summary, the available evidence is currently insufficient to determine the role of this variant in disease. Therefore, it has been classified as a Variant of Uncertain Significance.